The following is an entry in ClinVar:

NM_001080508.3(TBX18):c.498-1G>A

Gene: TBX18 (T-box transcription factor 18; minus strand). Cytogenetic location: 6q14.3.
Variant type: single nucleotide variant.
Coding change: c.498-1G>A on transcript NM_001080508.3 (MANE Select); the canonical splice acceptor site of the intron before coding-DNA position 498, G replaced by A.
Molecular consequence: splice acceptor variant.
Genome position (GRCh38, 1-based): chr6:84,760,357, C>T on the plus strand (G>A on the coding strand, the complement: TBX18 is on the minus strand). VCF-style: chr6-84760357-C-T. GRCh37 (hg19) VCF-style: chr6-85470075-C-T.
Identifiers: ClinVar variation 3348438 (VCV003348438.1).

ClinVar aggregate classification (germline): Uncertain significance (0 of 4 stars; one submission).

Conditions:
TBX18-related disorder. Also called: TBX18-related condition.

Submission:

PreventionGenetics, part of Exact Sciences
Classification: Uncertain significance for TBX18-related condition. Last evaluated: 2024-04-03. Review status: no assertion criteria provided. Collection method: clinical testing. Allele origin: germline.
Comment: The TBX18 c.498-1G>A variant is predicted to disrupt the AG splice acceptor site and interfere with normal splicing. To our knowledge, this variant has not been reported in the literature or in a large population database, indicating this variant is rare. Although we suspect that this variant may be pathogenic, at this time, the clinical significance of this variant is uncertain due to the absence of conclusive functional and genetic evidence.